The following is an entry in ClinVar:

ClinVar aggregate classification (germline): Uncertain significance. Review status: criteria provided, single submitter (1 of 4 stars). 2 submissions from 2 submitters: Uncertain significance (1). 1 of the submissions does not count toward it. Last evaluated 2024-03-12.

Conditions:
TNF receptor-associated periodic fever syndrome (TRAPS) (FPF). Also called: Autosomal Dominant Familial Periodic Fever; TNF RECEPTOR-ASSOCIATED PERIODIC SYNDROME; TUMOR NECROSIS FACTOR RECEPTOR-ASSOCIATED PERIODIC SYNDROME; TNF Receptor-Associated Periodic Fever Syndrome; FAMILIAL HIBERNIAN FEVER; TNF receptor 1-associated periodic fever syndrome. Identifiers: Orphanet 32960, MedGen C1275126, MONDO:0007727, OMIM 142680.

Submissions (2):

Labcorp Genetics (formerly Invitae), Labcorp
Classification: Uncertain significance for TNF receptor-associated periodic fever syndrome (TRAPS). Last evaluated: 2024-03-12. Review status: criteria provided, single submitter. Criteria: Invitae Variant Classification Sherloc (09022015). Collection method: clinical testing. Allele origin: germline.
Comment: This sequence change replaces glutamic acid, which is acidic and polar, with alanine, which is neutral and non-polar, at codon 138 of the TNFRSF1A protein (p.Glu138Ala). This variant is not present in population databases (gnomAD no frequency). This variant has not been reported in the literature in individuals affected with TNFRSF1A-related conditions. ClinVar contains an entry for this variant (Variation ID: 97701). Algorithms developed to predict the effect of missense changes on protein structure and function output the following: SIFT: "Not Available"; PolyPhen-2: "Benign"; Align-GVGD: "Not Available". The alanine amino acid residue is found in multiple mammalian species, which suggests that this missense change does not adversely affect protein function. In summary, the available evidence is currently insufficient to determine the role of this variant in disease. Therefore, it has been classified as a Variant of Uncertain Significance.

Unité médicale des maladies autoinflammatoires, CHRU Montpellier
No classification provided. Condition: TNF receptor-associated periodic fever syndrome (TRAPS). Review status: no classification provided. Collection method: not provided. Allele origin: unknown. Not counted in ClinVar's aggregate classification.

NM_001065.4(TNFRSF1A):c.413A>C (p.Glu138Ala)

Gene: TNFRSF1A (TNF receptor superfamily member 1A; minus strand). Cytogenetic location: 12p13.31.
Variant type: single nucleotide variant.
Coding change: c.413A>C on transcript NM_001065.4 (MANE Select); coding-DNA position 413, A replaced by C.
Protein change: p.Glu138Ala; replaces glutamic acid 138 with alanine.
Molecular consequence: missense variant. On other transcripts: 5 prime UTR variant (1), non-coding transcript variant (1).
Genome position (GRCh38, 1-based): chr12:6,333,426, T>G on the plus strand (A>C on the coding strand, the complement: TNFRSF1A is on the minus strand). VCF-style: chr12-6333426-T-G. GRCh37 (hg19) VCF-style: chr12-6442592-T-G.
Other names: c.89A>C, p.Glu30Ala (NM_001346091.2); c.-165A>C (NM_001346092.2); short protein forms E138A, E30A.
Identifiers: ClinVar variation 97701 (VCV000097701.3), dbSNP rs104895286, ClinGen allele CA280858.